The following is an entry in ClinVar:

ClinVar aggregate classification (germline): Uncertain significance (1 of 4 stars; one submission).

gnomAD v4.1: 22 of 1,613,236 alleles (0.0014%); highest among the groups gnomAD compares: East Asian, 0.0022%; no homozygotes.

Submission:

Mayo Clinic Laboratories, Mayo Clinic
Classification: Uncertain significance. Last evaluated: 2025-05-07. Review status: criteria provided, single submitter. Criteria: ACMG Guidelines, 2015. Collection method: clinical testing. Allele origin: germline. Observed: 1 variant allele.
Comment: PM2_supporting

NM_001368882.1(COL13A1):c.1651G>A (p.Glu551Lys)

Gene: COL13A1 (collagen type XIII alpha 1 chain; plus strand). Cytogenetic location: 10q22.1.
Variant type: single nucleotide variant.
Coding change: c.1651G>A on transcript NM_001368882.1 (MANE Select); coding-DNA position 1651, G replaced by A.
Protein change: p.Glu551Lys; replaces glutamic acid 551 with lysine.
Molecular consequence: missense variant.
Genome position (GRCh38, 1-based): chr10:69,930,520, G>A. VCF-style: chr10-69930520-G-A. GRCh37 (hg19) VCF-style: chr10-71690276-G-A.
Other names: p.Glu540Lys; c.988G>A, p.Glu330Lys (NM_001368886.1); c.1561G>A, p.Glu521Lys (NM_001368895.1, NM_080800.4); c.1447G>A, p.Glu483Lys (NM_001368896.1, NM_001368898.1, NM_080798.4); c.1474G>A, p.Glu492Lys (NM_001368897.1); c.1552G>A, p.Glu518Lys (NM_080801.4, NM_080802.4, NM_001368885.1); c.1618G>A, p.Glu540Lys (NM_001130103.2); c.1588G>A, p.Glu530Lys (NM_001320951.2, NM_001368884.1); and 2 more; short protein forms E330K, E489K, E551K, E492K, E540K, E483K, E518K, E521K.
Identifiers: ClinVar variation 4541548 (VCV004541548.1).